The following is an entry in ClinVar:

ClinVar aggregate classification (germline): Conflicting classifications of pathogenicity. Review status: criteria provided, conflicting classifications (1 of 4 stars). 7 submissions from 7 submitters: Uncertain significance (1); Benign (1); Likely benign (5). Last evaluated 2026-01-20.

Conditions:
Lynch syndrome. Identifiers: Orphanet 144, MedGen C4552100, MONDO:0005835. Disease mechanism: loss of function.
Hereditary cancer-predisposing syndrome. Also called: Hereditary neoplastic syndrome; Hereditary Cancer Syndrome; Tumor predisposition; Neoplastic Syndromes, Hereditary. Identifiers: Orphanet 140162, MedGen C0027672, MeSH D009386, MONDO:0015356.
Hereditary nonpolyposis colorectal neoplasms. Identifiers: MedGen C0009405, MeSH D003123.
Lynch syndrome 5 (LYNCH5). Also called: Colorectal cancer, hereditary nonpolyposis, type 5; Hereditary non-polyposis colorectal cancer, type 5. Identifiers: Orphanet 144, MedGen C1833477, MONDO:0013710, OMIM 614350. Disease mechanism: loss of function.

Allele frequency attached by ClinVar (database versions not stated): gnomAD exomes below 0.00001; TOPMed 0.00002.
gnomAD v4.1: 3 of 1,610,458 alleles (0.00019%); highest among the groups gnomAD compares: African/African-American, 0.0027%; no homozygotes.

Submissions (7):

Labcorp Genetics (formerly Invitae), Labcorp
Classification: Likely benign for Hereditary nonpolyposis colorectal neoplasms. Last evaluated: 2026-01-20. Review status: criteria provided, single submitter. Criteria: Invitae Variant Classification Sherloc (09022015). Collection method: clinical testing. Allele origin: germline.

Myriad Genetics, Inc.
Classification: Benign for Lynch syndrome 5. Last evaluated: 2024-12-17. Review status: criteria provided, single submitter. Criteria: Myriad Autosomal Dominant, Autosomal Recessive and X-Linked Classification Criteria (2023). Collection method: clinical testing. Allele origin: unknown.
Comment: This variant is considered benign. This variant is a silent/synonymous amino acid change and it is not expected to impact splicing.

All of Us Research Program, National Institutes of Health
Classification: Likely benign for Lynch syndrome. Last evaluated: 2024-06-09. Review status: criteria provided, single submitter. Criteria: ACMG Guidelines, 2015. Collection method: clinical testing. Allele origin: germline. Inheritance: Autosomal dominant inheritance. Observed: 1 variant allele, 1 heterozygote.
Comment: This study involves interpretation of variants in research participants for the purpose of population health screening. Participant phenotype was not available at the time of variant classification. Additional details can be found in publication PMID: 35346344, PMCID: PMC8962531

Women's Health and Genetics/Laboratory Corporation of America, LabCorp
Classification: Likely benign. Last evaluated: 2024-04-18. Review status: criteria provided, single submitter. Criteria: LabCorp Variant Classification Summary - May 2015. Collection method: clinical testing. Allele origin: germline.

Ambry Genetics
Classification: Likely benign for Hereditary cancer-predisposing syndrome. Last evaluated: 2019-01-03. Review status: criteria provided, single submitter. Criteria: Ambry Variant Classification Scheme 2023. Collection method: clinical testing. Allele origin: germline.

Quest Diagnostics Nichols Institute San Juan Capistrano
Classification: Uncertain significance. Last evaluated: 2017-06-15. Review status: criteria provided, single submitter. Criteria: Quest Diagnostics criteria. Collection method: clinical testing. Allele origin: germline.

Color Diagnostics, LLC DBA Color Health
Classification: Likely benign for Hereditary cancer-predisposing syndrome. Last evaluated: 2015-12-10. Review status: criteria provided, single submitter. Criteria: ACMG Guidelines, 2015. Collection method: clinical testing. Allele origin: germline.

NM_000179.3(MSH6):c.105C>T (p.Ala35=)

Gene: MSH6 (mutS homolog 6; plus strand). Cytogenetic location: 2p16.3.
Variant type: single nucleotide variant.
Coding change: c.105C>T on transcript NM_000179.3 (MANE Select); coding-DNA position 105, C replaced by T.
Protein change: p.Ala35=; no amino-acid change (alanine 35 retained).
Molecular consequence: synonymous variant. On other transcripts: 5 prime UTR variant (1).
Genome position (GRCh38, 1-based): chr2:47,783,338, C>T. VCF-style: chr2-47783338-C-T. GRCh37 (hg19) VCF-style: chr2-48010477-C-T.
Other names: c.105C>T, p.Ala35= (NM_001281492.2); c.-632C>T (NM_001281493.2).
Identifiers: ClinVar variation 439198 (VCV000439198.22), dbSNP rs998365223, ClinGen allele CA46687949.